The following is an entry in ClinVar:

ClinVar aggregate classification (germline): Pathogenic. Review status: criteria provided, multiple submitters, no conflicts (2 of 4 stars). 2 submissions from 2 submitters: Pathogenic (2). Last evaluated 2020-07-20.

Conditions:
Treacher Collins syndrome 1 (TCS1). Also called: TCOF1-Related Treacher Collins Syndrome. Identifiers: Orphanet 861, MedGen CN315775, MONDO:0007944, OMIM 154500.

Submissions (2):

Labcorp Genetics (formerly Invitae), Labcorp
Classification: Pathogenic for Treacher Collins syndrome 1. Last evaluated: 2020-07-20. Review status: criteria provided, single submitter. Criteria: Invitae Variant Classification Sherloc (09022015). Collection method: clinical testing. Allele origin: germline.
Comment: This variant has been observed in individual(s) with has Treacher-Collins syndrome (Invitae). ClinVar contains an entry for this variant (Variation ID: 432771). For these reasons, this variant has been classified as Pathogenic. Loss-of-function variants in TCOF1 are known to be pathogenic (PMID: 8894686, 22317976). This variant is not present in population databases (ExAC no frequency). This sequence change creates a premature translational stop signal (p.Gln664*) in the TCOF1 gene. It is expected to result in an absent or disrupted protein product.

GeneDx
Classification: Pathogenic. Last evaluated: 2017-06-06. Review status: criteria provided, single submitter. Criteria: GeneDx Variant Classification (06012015). Collection method: clinical testing. Allele origin: germline. Affected: yes.
Comment: The Q664X nonsense variant in the TCOF1 gene is predicted to cause loss of normal protein function either through protein truncation or nonsense-mediated mRNA decay. The variant is not observed in large population cohorts (Lek et al., 2016; 1000 Genomes Consortium et al., 2015; Exome Variant Server). Although this pathogenic variant has not been reported previously to our knowledge, we consider it to be pathogenic.

Literature cited by the submitters: PubMed 8894686 (cited by Labcorp Genetics (formerly Invitae), Labcorp); PubMed 22317976 (cited by Labcorp Genetics (formerly Invitae), Labcorp).

NM_001371623.1(TCOF1):c.1990C>T (p.Gln664Ter)

Gene: TCOF1 (treacle ribosome biogenesis factor 1; plus strand). Cytogenetic location: 5q32.
Variant type: single nucleotide variant.
Coding change: c.1990C>T on transcript NM_001371623.1 (MANE Select); coding-DNA position 1990, C replaced by T.
Protein change: p.Gln664Ter; replaces glutamine 664 with a stop codon.
Molecular consequence: nonsense.
Genome position (GRCh38, 1-based): chr5:150,376,178, C>T. VCF-style: chr5-150376178-C-T. GRCh37 (hg19) VCF-style: chr5-149755741-C-T.
Other names: c.1759C>T, p.Gln587Ter (NM_000356.4, NM_001135245.2); c.1990C>T, p.Gln664Ter (NM_001008657.3, NM_001135243.2, NM_001135244.2 and 1 more transcripts); short protein forms Q587*, Q664*.
Identifiers: ClinVar variation 432771 (VCV000432771.11), dbSNP rs896979080, ClinGen allele CA361752153.